The following is an entry in ClinVar:

ClinVar aggregate classification (germline): Pathogenic. Review status: criteria provided, multiple submitters, no conflicts (2 of 4 stars). 2 submissions from 2 submitters: Pathogenic (2). Last evaluated 2024-12-26.

Conditions:
Factor XIII, A subunit, deficiency of. Also called: Factor XIII subunit A deficiency. Identifiers: Orphanet 331, MedGen C2750514, MONDO:0013187, OMIM 613225, HP:0040233.

Submissions (2):

GeneDx
Classification: Pathogenic. Last evaluated: 2024-12-26. Review status: criteria provided, single submitter. Criteria: GeneDx Variant Classification Process June 2021. Collection method: clinical testing. Allele origin: germline. Affected: yes.
Comment: Frameshift variant predicted to result in protein truncation or nonsense mediated decay in a gene for which loss of function is a known mechanism of disease; Not observed at significant frequency in large population cohorts (gnomAD); This variant is associated with the following publications: (PMID: 12100162, 37647632)

Revvity Omics, Revvity
Classification: Pathogenic for Factor XIII, A subunit, deficiency of. Last evaluated: 2019-09-20. Review status: criteria provided, single submitter. Criteria: ACMG Guidelines, 2015. Collection method: clinical testing. Allele origin: germline.

NM_000129.4(F13A1):c.1405_1408del (p.Gln469fs)

Gene: F13A1 (coagulation factor XIII A chain; minus strand). Cytogenetic location: 6p25.1.
Variant type: Microsatellite.
Coding change: c.1405_1408del on transcript NM_000129.4 (MANE Select); coding-DNA positions 1405 to 1408, 4 bases deleted (CAAA; older notation c.1405_1408delCAAA).
Protein change: p.Gln469fs; shifts the reading frame from glutamine 469.
Molecular consequence: frameshift variant.
Genome position (GRCh38, 1-based): chr6:6,182,039-6,182,042, TTTG deleted on the plus strand (CAAA on the coding strand, the reverse complement: F13A1 is on the minus strand); deleting any 4 consecutive bases within chr6:6,182,039-6,182,046 gives the same sequence; the c. name uses the placement nearest the transcript's 3' end. VCF-style (leftmost placement, unchanged base first): chr6-6182038-ATTTG-A. GRCh37 (hg19) VCF-style: chr6-6182271-ATTTG-A.
Other names: short protein forms Q469fs.
Identifiers: ClinVar variation 1322859 (VCV001322859.5), dbSNP rs1760997136, ClinGen allele CA913184712.